The following is an entry in ClinVar:

NM_000719.7(CACNA1C):c.2854-11C>G

Gene: CACNA1C (calcium voltage-gated channel subunit alpha1 C; plus strand). Cytogenetic location: 12p13.33.
Variant type: single nucleotide variant.
Coding change: c.2854-11C>G on transcript NM_000719.7 (MANE Select); 11 bases into the intron before coding-DNA position 2854, C replaced by G.
Molecular consequence: intron variant.
Genome position (GRCh38, 1-based): chr12:2,601,843, C>G. VCF-style: chr12-2601843-C-G. GRCh37 (hg19) VCF-style: chr12-2711009-C-G.
Other names: c.2854-11C>G (NM_001167624.3, NM_001167623.2, NM_001167625.2 and 16 more transcripts); c.2914-11C>G (NM_199460.4, NM_001129827.2, NM_001129832.2); c.2845-11C>G (NM_001129844.2).
Identifiers: ClinVar variation 1301544 (VCV001301544.3), dbSNP rs2153406175, ClinGen allele CA2573053647.

ClinVar aggregate classification (germline): Uncertain significance. Review status: criteria provided, single submitter (1 of 4 stars). 2 submissions from 1 submitter: Uncertain significance (1). 1 of the submissions does not count toward it. Last evaluated 2022-12-17.

Conditions:
Brugada syndrome 3 (BRGDA3). Identifiers: Orphanet 130, MedGen C2678478, MONDO:0012742, OMIM 611875.

Submissions (2):

Dubai Health Genomic Medicine Center, Dubai Health
Classification: Uncertain significance. Last evaluated: 2022-12-17. Review status: criteria provided, single submitter. Criteria: ACMG Guidelines, 2015. Collection method: clinical testing. Allele origin: germline. Affected: yes.

Dubai Health Genomic Medicine Center, Dubai Health
Classification: Uncertain significance for Brugada syndrome 3. Last evaluated: 2021-03-01. Review status: flagged submission. Criteria: ACMG Guidelines, 2015. Collection method: clinical testing. Allele origin: germline. Affected: yes. Not counted in ClinVar's aggregate classification.
Comment: The c.2854-11C>G variant in CACNA1C has not been previously reported in individuals with disease and was absent from large population studies such as the Genome Aggregation Database (gnomAD) and the Greater Middle East (GME) variome database. This variant is located in the 3' splice region. Computational tools suggest a possible impact to splicing though this information is not predictive enough to rule out pathogenicity. In summary additional information is needed to fully assess its clinical significance.
ClinVar note: Reason: This record appears to be redundant with a more recent record from the same submitter.
ClinVar note: Notes: SCV001984033 appears to be redundant with SCV002774987.